The following is an entry in ClinVar:

NM_007294.4(BRCA1):c.157A>T (p.Asn53Tyr)

Gene: BRCA1 (BRCA1 DNA repair associated; minus strand). Cytogenetic location: 17q21.31.
Variant type: single nucleotide variant.
Coding change: c.157A>T on transcript NM_007294.4 (MANE Select); coding-DNA position 157, A replaced by T.
Protein change: p.Asn53Tyr; replaces asparagine 53 with tyrosine.
Molecular consequence: missense variant. On other transcripts: non-coding transcript variant (1).
Genome position (GRCh38, 1-based): chr17:43,106,511, T>A on the plus strand (A>T on the coding strand, the complement: BRCA1 is on the minus strand). VCF-style: chr17-43106511-T-A. GRCh37 (hg19) VCF-style: chr17-41258528-T-A.
Other names: c.-32A>T (NM_001407571.1, NM_001407853.1, NM_001407879.1 and 58 more transcripts); c.157A>T, p.Asn53Tyr (NM_001407581.1, NM_001407582.1, NM_001407583.1 and 168 more transcripts); c.16A>T, p.Asn6Tyr (NM_001407692.1, NM_001407694.1, NM_001407695.1 and 99 more transcripts); short protein forms N6Y, N53Y.
Identifiers: ClinVar variation 867897 (VCV000867897.3), dbSNP rs2054788992, ClinGen allele CA10601842.
Genomic context (GRCh38, chr17:43,106,511, plus strand): 5'-TATACCTTTTGGTTATATCATTCTTACATAAAGGACACTGTGAAGGCCCTTTCTTCTGGT[T>A]GAGAAGTTTCAGCATGCAAAATCTATAAATTATAAAGAAAGAAAGAACAATTTAATTTAC-3'
Protein context (NP_009225.1, residues 43-63): FCKFCMLKLL[Asn53Tyr]QKKGPSQCPL

Conditions:
Breast-ovarian cancer, familial, susceptibility to, 1 (BROVCA1). Also called: BRCA1 Hereditary Breast and Ovarian Cancer; OVARIAN CANCER, SUSCEPTIBILITY TO. Identifiers: Orphanet 145, MedGen C2676676, MONDO:0011450, OMIM 604370. Disease mechanism: loss of function.

Submission:

Brotman Baty Institute, University of Washington
No classification provided (evidence only). Condition: Breast-ovarian cancer, familial 1. Review status: no classification provided. Collection method: in vitro. Allele origin: not applicable. Functional consequence: functionally_normal.
ClinVar note: "not provided" was previously submitted as the classification for the variant. However, the classification appeared to be based only on an observation of functional data so it was converted to no classification on 2025-07-30.